The following is an entry in ClinVar:

ClinVar aggregate classification (germline): Uncertain significance (1 of 4 stars; one submission).

gnomAD v4.1: 6 of 1,613,840 alleles (0.00037%); highest among the groups gnomAD compares: Non-Finnish European, 0.00051%; no homozygotes.

Submission:

GeneDx
Classification: Uncertain significance. Last evaluated: 2025-08-08. Review status: criteria provided, single submitter. Criteria: GeneDx Variant Classification Process June 2021. Collection method: clinical testing. Allele origin: germline. Affected: yes.
Comment: Not observed at significant frequency in large population cohorts (gnomAD); In silico analysis suggests that this missense variant does not alter protein structure/function; Has not been previously published as pathogenic or benign to our knowledge

NM_080680.3(COL11A2):c.245A>G (p.Lys82Arg)

Gene: COL11A2 (collagen type XI alpha 2 chain; minus strand). Cytogenetic location: 6p21.32.
Variant type: single nucleotide variant.
Coding change: c.245A>G on transcript NM_080680.3 (MANE Select); coding-DNA position 245, A replaced by G.
Protein change: p.Lys82Arg; replaces lysine 82 with arginine.
Molecular consequence: missense variant. On other transcripts: 5 prime UTR variant (3), non-coding transcript variant (1).
Genome position (GRCh38, 1-based): chr6:33,189,176, T>C on the plus strand (A>G on the coding strand, the complement: COL11A2 is on the minus strand). VCF-style: chr6-33189176-T-C. GRCh37 (hg19) VCF-style: chr6-33156953-T-C.
Other names: c.245A>G, p.Lys82Arg (NM_001163771.2, NM_001424108.1, NM_080679.3 and 1 more transcripts); c.-602A>G (NM_001424109.1, NM_001424110.1, NM_001424111.1); short protein forms K82R.
Identifiers: ClinVar variation 4756083 (VCV004756083.1).
Genomic context (GRCh38, chr6:33,189,176, plus strand): 5'-GTCAGGAGGGGAGCTTGGAGACCAGGGCGGGTCCGGACAACAGTCAGCAGAGAGAAATCT[T>C]TGGGAAATCCTCCTAGTAACCGAGAGAGATACACACAGAGTGAGAGGCAAAGGGAGCCGC-3'
Protein context (NP_542411.2, residues 72-92): TRQLFPGGFP[Lys82Arg]DFSLLTVVRT